The following is an entry in ClinVar:

ClinVar aggregate classification (germline): Pathogenic/Likely pathogenic. Review status: criteria provided, multiple submitters, no conflicts (2 of 4 stars). 2 submissions from 2 submitters: Pathogenic (1); Likely pathogenic (1). Last evaluated 2022-05-19.

Conditions:
Cockayne syndrome type 2 (CSB). Also called: COCKAYNE SYNDROME B; Cockayne Syndrome, Type II. Identifiers: Orphanet 191, Orphanet 90322, MedGen C0751038, MONDO:0019570, OMIM 133540.

Submissions (2):

Labcorp Genetics (formerly Invitae), Labcorp
Classification: Pathogenic. Last evaluated: 2022-05-19. Review status: criteria provided, single submitter. Criteria: Invitae Variant Classification Sherloc (09022015). Collection method: clinical testing. Allele origin: germline.
Comment: This sequence change creates a premature translational stop signal (p.Gly347Aspfs*13) in the ERCC6 gene. It is expected to result in an absent or disrupted protein product. Loss-of-function variants in ERCC6 are known to be pathogenic (PMID: 18628313, 29572252). This variant is not present in population databases (gnomAD no frequency). This variant has not been reported in the literature in individuals affected with ERCC6-related conditions. For these reasons, this variant has been classified as Pathogenic.

Myriad Genetics, Inc.
Classification: Likely pathogenic for Cockayne syndrome type 2. Last evaluated: 2022-04-26. Review status: criteria provided, single submitter. Criteria: Myriad Women's Health Autosomal Recessive and X-Linked Classification Criteria (2021). Collection method: clinical testing. Allele origin: unknown.
Comment: NM_000124.2(ERCC6):c.1040delG(G347Dfs*13) is expected to be pathogenic in the context of ERCC6-related disorders. This variant is predicted to lead to an abnormal or absent protein product due to the creation of a premature termination codon in ERCC6, a gene where loss-of-function variants are known to be pathogenic. Please note: this variant was assessed in the context of healthy population screening.

Literature cited by the submitters: PubMed 18628313 (cited by Labcorp Genetics (formerly Invitae), Labcorp); PubMed 29572252 (cited by Labcorp Genetics (formerly Invitae), Labcorp).

NM_000124.4(ERCC6):c.1040del (p.Gly347fs)

Gene: ERCC6 (ERCC excision repair 6, chromatin remodeling factor; minus strand). Cytogenetic location: 10q11.23.
Variant type: Deletion.
Coding change: c.1040del on transcript NM_000124.4 (MANE Select); coding-DNA position 1040, one base deleted (G; older notation c.1040delG).
Protein change: p.Gly347fs; shifts the reading frame from glycine 347.
Molecular consequence: frameshift variant.
Genome position (GRCh38, 1-based): chr10:49,524,390, C deleted on the plus strand (G on the coding strand, the reverse complement: ERCC6 is on the minus strand); the first of 3 consecutive C bases (chr10:49,524,390-49,524,392); deleting any one gives the same sequence. VCF-style (leftmost placement, unchanged base first): chr10-49524389-TC-T. GRCh37 (hg19) VCF-style: chr10-50732435-TC-T.
Other names: c.1040del, p.Gly347fs (NM_001277058.2, NM_001277059.2, NM_001346440.2); short protein forms G347fs.
Identifiers: ClinVar variation 1725967 (VCV001725967.7), dbSNP rs2496140099, ClinGen allele CA2580081566.